The following is an entry in ClinVar:

ClinVar aggregate classification (germline): Uncertain significance (1 of 4 stars; one submission).

Conditions:
Gnathodiaphyseal dysplasia (GDD). Also called: GNATHODIAPHYSEAL SCLEROSIS; OSTEOGENESIS IMPERFECTA WITH UNUSUAL SKELETAL LESIONS. Identifiers: Orphanet 53697, MedGen C1833736, MONDO:0008151, OMIM 166260.
Autosomal recessive limb-girdle muscular dystrophy type 2L (LGMDR12). Also called: MUSCULAR DYSTROPHY, LIMB-GIRDLE, AUTOSOMAL RECESSIVE 12; Limb-girdle muscular dystrophy, type 2L; Limb-Girdle Muscular Dystrophy R12 Anoctamin-5-Related (LGMD-R12). Identifiers: Orphanet 206549, MedGen C1969785, MONDO:0012652, OMIM 611307.

Allele frequency attached by ClinVar (database versions not stated): gnomAD exomes below 0.00001; TOPMed below 0.00001; ExAC 0.00001.
gnomAD v4.1: 6 of 1,613,254 alleles (0.00037%); highest among the groups gnomAD compares: African/African-American, 0.0013%; no homozygotes.

Submission:

Labcorp Genetics (formerly Invitae), Labcorp
Classification: Uncertain significance for Autosomal recessive limb-girdle muscular dystrophy type 2L; Gnathodiaphyseal dysplasia. Last evaluated: 2023-10-10. Review status: criteria provided, single submitter. Criteria: Invitae Variant Classification Sherloc (09022015). Collection method: clinical testing. Allele origin: germline.
Comment: This sequence change falls in intron 4 of the ANO5 gene. It does not directly change the encoded amino acid sequence of the ANO5 protein. It affects a nucleotide within the consensus splice site. This variant is present in population databases (rs774759385, gnomAD 0.007%). This variant has not been reported in the literature in individuals affected with ANO5-related conditions. ClinVar contains an entry for this variant (Variation ID: 1987289). Variants that disrupt the consensus splice site are a relatively common cause of aberrant splicing (PMID: 17576681, 9536098). Algorithms developed to predict the effect of sequence changes on RNA splicing suggest that this variant is not likely to affect RNA splicing. In summary, the available evidence is currently insufficient to determine the role of this variant in disease. Therefore, it has been classified as a Variant of Uncertain Significance.

Literature cited by the submitters: PubMed 17576681; PubMed 9536098.

NM_213599.3(ANO5):c.180+6A>G

Gene: ANO5 (anoctamin 5; plus strand). Cytogenetic location: 11p14.3.
Variant type: single nucleotide variant.
Coding change: c.180+6A>G on transcript NM_213599.3 (MANE Select); 6 bases into the intron after coding-DNA position 180, A replaced by G.
Molecular consequence: intron variant.
Genome position (GRCh38, 1-based): chr11:22,218,293, A>G. VCF-style: chr11-22218293-A-G. GRCh37 (hg19) VCF-style: chr11-22239839-A-G.
Other names: c.177+6A>G (NM_001142649.2).
Identifiers: ClinVar variation 1987289 (VCV001987289.4), dbSNP rs774759385, ClinGen allele CA5922825.
Genomic context (GRCh38, chr11:22,218,293, plus strand): 5'-GGTTGCTTCACAGCCTGCAAAGCGATTCAATTTGTTCCTGAGGCGGCGGCTTATGGTAAA[A>G]CCAGTGCTGAATGATGCTGCTTATGCTCTGAATGGCTGCAGTGGTAGCCTTAGTTATTTT-3'